The following is an entry in ClinVar:

ClinVar aggregate classification (germline): Conflicting classifications of pathogenicity. Review status: criteria provided, conflicting classifications (1 of 4 stars). 2 submissions from 2 submitters: Uncertain significance (1); Likely benign (1). Last evaluated 2025-12-16.

Allele frequency attached by ClinVar (database versions not stated): gnomAD 0.00001 and 0.00002; gnomAD exomes 0.00001 and 0.00004; TOPMed 0.00002; ExAC 0.00011; 1000 Genomes Project 30x 0.00016.
gnomAD v4.1: 26 of 1,547,140 alleles (0.0017%); highest among the groups gnomAD compares: East Asian, 0.02%; no homozygotes.

Submissions (2):

Labcorp Genetics (formerly Invitae), Labcorp
Classification: Uncertain significance. Last evaluated: 2025-12-16. Review status: criteria provided, single submitter. Criteria: Invitae Variant Classification Sherloc (09022015). Collection method: clinical testing. Allele origin: germline.
Comment: This sequence change replaces phenylalanine, which is neutral and non-polar, with leucine, which is neutral and non-polar, at codon 44 of the P3H2 protein (p.Phe44Leu). The frequency data for this variant in the population databases is considered unreliable, as metrics indicate poor data quality at this position in the gnomAD database. This variant has not been reported in the literature in individuals affected with P3H2-related conditions. ClinVar contains an entry for this variant (Variation ID: 852495). An algorithm developed to predict the effect of missense changes on protein structure and function (PolyPhen-2) suggests that this variant is likely to be tolerated. In summary, the available evidence is currently insufficient to determine the role of this variant in disease. Therefore, it has been classified as a Variant of Uncertain Significance.

Blueprint Genetics
Classification: Likely benign. Last evaluated: 2024-11-01. Review status: criteria provided, single submitter. Criteria: ACMG Guidelines, 2015. Collection method: clinical testing. Allele origin: germline.

NM_018192.4(P3H2):c.132C>A (p.Phe44Leu)

Gene: P3H2 (prolyl 3-hydroxylase 2; minus strand). Cytogenetic location: 3q28.
Variant type: single nucleotide variant.
Coding change: c.132C>A on transcript NM_018192.4 (MANE Select); coding-DNA position 132, C replaced by A.
Protein change: p.Phe44Leu; replaces phenylalanine 44 with leucine.
Molecular consequence: missense variant. On other transcripts: intron variant (1).
Genome position (GRCh38, 1-based): chr3:190,120,600, G>T on the plus strand (C>A on the coding strand, the complement: P3H2 is on the minus strand). VCF-style: chr3-190120600-G-T. GRCh37 (hg19) VCF-style: chr3-189838389-G-T.
Other names: c.-64+1603C>A (NM_001134418.2); short protein forms F44L.
Identifiers: ClinVar variation 852495 (VCV000852495.7), dbSNP rs367659257, ClinGen allele CA2753426.